The following is an entry in ClinVar:

NM_012469.4(PRPF6):c.838A>G (p.Met280Val)

Gene: PRPF6 (pre-mRNA processing factor 6; plus strand). Cytogenetic location: 20q13.33.
Variant type: single nucleotide variant.
Coding change: c.838A>G on transcript NM_012469.4 (MANE Select); coding-DNA position 838, A replaced by G.
Protein change: p.Met280Val; replaces methionine 280 with valine.
Molecular consequence: missense variant.
Genome position (GRCh38, 1-based): chr20:63,999,111, A>G. VCF-style: chr20-63999111-A-G. GRCh37 (hg19) VCF-style: chr20-62630464-A-G.
Other names: short protein forms M280V.
Identifiers: ClinVar variation 2874018 (VCV002874018.3), dbSNP rs754980618, ClinGen allele CA9972012.

ClinVar aggregate classification (germline): Uncertain significance (1 of 4 stars; one submission).

Allele frequency attached by ClinVar (database versions not stated): gnomAD exomes below 0.00001; ExAC 0.00001; gnomAD 0.00001; TOPMed 0.00001.
gnomAD v4.1: 3 of 1,613,836 alleles (0.00019%); highest among the groups gnomAD compares: African/African-American, 0.0027%; no homozygotes.

Submission:

Labcorp Genetics (formerly Invitae), Labcorp
Classification: Uncertain significance. Last evaluated: 2022-11-10. Review status: criteria provided, single submitter. Criteria: Invitae Variant Classification Sherloc (09022015). Collection method: clinical testing. Allele origin: germline.
Comment: In summary, the available evidence is currently insufficient to determine the role of this variant in disease. Therefore, it has been classified as a Variant of Uncertain Significance. Advanced modeling of protein sequence and biophysical properties (such as structural, functional, and spatial information, amino acid conservation, physicochemical variation, residue mobility, and thermodynamic stability) performed at Invitae indicates that this missense variant is not expected to disrupt PRPF6 protein function. This variant has not been reported in the literature in individuals affected with PRPF6-related conditions. This variant is present in population databases (rs754980618, gnomAD 0.002%). This sequence change replaces methionine, which is neutral and non-polar, with valine, which is neutral and non-polar, at codon 280 of the PRPF6 protein (p.Met280Val).